The following is an entry in ClinVar:

ClinVar aggregate classification (germline): Uncertain significance. Review status: criteria provided, multiple submitters, no conflicts (2 of 4 stars). 3 submissions from 3 submitters: Uncertain significance (3). Last evaluated 2025-09-03.

Conditions:
Asphyxiating thoracic dystrophy 3. Also called: SHORT-RIB THORACIC DYSPLASIA 3/6 WITH POLYDACTYLY, DIGENIC; Short rib polydactyly syndrome 2B; SHORT-RIB THORACIC DYSPLASIA 3 WITH OR WITHOUT POLYDACTYLY; POLYDACTYLY WITH NEONATAL CHONDRODYSTROPHY, TYPE I; Saldino-Noonan Syndrome. Identifiers: Orphanet 474, Orphanet 93269, Orphanet 93270, Orphanet 93271, MedGen C0036069, MONDO:0013127, OMIM 613091.

gnomAD v4.1: 6 of 1,610,878 alleles (0.00037%); highest among the groups gnomAD compares: Non-Finnish European, 0.00042%; no homozygotes.

Submissions (3):

Myriad Genetics, Inc.
Classification: Uncertain significance for Asphyxiating thoracic dystrophy 3. Last evaluated: 2025-09-03. Review status: criteria provided, single submitter. Criteria: Myriad Autosomal Dominant, Autosomal Recessive and X-Linked Classification Criteria (2023). Collection method: clinical testing. Allele origin: unknown.
Comment: NM_001377.2(DYNC2H1):c.2386C>T(R796W) is a missense variant classified as a variant of uncertain significance in the context of DYNC2H1-related disorders. R796W has been observed in a case with relevant disease (PMID: 37091781). Relevant functional assessments of this variant are not available in the literature. R796W has not been observed in referenced population frequency databases. In summary, there is insufficient evidence to classify NM_001377.2(DYNC2H1):c.2386C>T(R796W) as pathogenic or benign. Please note: this variant was assessed in the context of healthy population screening.

Women's Health and Genetics/Laboratory Corporation of America, LabCorp
Classification: Uncertain significance. Last evaluated: 2024-11-08. Review status: criteria provided, single submitter. Criteria: LabCorp Variant Classification Summary - May 2015. Collection method: clinical testing. Allele origin: germline.
Comment: Variant summary: DYNC2H1 c.2386C>T (p.Arg796Trp) results in a non-conservative amino acid change in the encoded protein sequence. Four of five in-silico tools predict a damaging effect of the variant on protein function. The variant was absent in 247820 control chromosomes. The available data on variant occurrences in the general population are insufficient to allow any conclusion about variant significance. c.2386C>T has been reported in the literature in individuals affected with Short-rib thoracic dysplasia (Chen_2023). These report(s) do not provide unequivocal conclusions about association of the variant with Short-rib thoracic dysplasia. To our knowledge, no experimental evidence demonstrating an impact on protein function has been reported. The following publication have been ascertained in the context of this evaluation (PMID: 37091781). No submitters have cited clinical-significance assessments for this variant to ClinVar. Based on the evidence outlined above, the variant was classified as uncertain significance.

Victorian Clinical Genetics Services, Murdoch Childrens Research Institute
Classification: Uncertain significance for Asphyxiating thoracic dystrophy 3. Last evaluated: 2024-10-09. Review status: criteria provided, single submitter. Criteria: ACMG Guidelines, 2015. Collection method: clinical testing. Allele origin: germline. Inheritance: Autosomal recessive inheritance. Affected: yes.
Comment: Based on the classification scheme VCGS_Germline_v1.3.5, this variant is classified as VUS-3A. Following criteria are met: 0102 - Loss of function is a known mechanism of disease in this gene and is associated with short-rib thoracic dysplasia 3 with or without polydactyly (MIM#613091). (I) 0106 - This gene is associated with autosomal recessive disease. (I) 0200 - Variant is predicted to result in a missense amino acid change from arginine to tryptophan. (I) 0251 - This variant is heterozygous. (I) 0304 - Variant is present in gnomAD <0.01 for a recessive condition (v4: 6 heterozygotes, 0 homozygotes). (SP) 0309 - Multiple alternative amino acid changes at the same position has been observed in gnomAD (v4) (highest allele count: 49 heterozygotes, 0 homozygotes). (I) 0501 - Missense variant consistently predicted to be damaging by multiple in silico tools or highly conserved with a major amino acid change. (SP) 0604 - Variant is not located in an established domain, motif, hotspot or informative constraint region. (I) 0710 - Another missense variant comparable to the one identified in this case has inconclusive previous evidence for pathogenicity. It has been reported once as a variant of uncertain significance by a clinical laboratory (ClinVar). (I) 0809 - Previous evidence of pathogenicity for this variant is inconclusive. It has been reported once in a compound heterozygous fetus with short-rib thoracic dysplasia 3 with or without polydactyly (PMID: 37091781). (I) 0905 - No published segregation evidence has been identified for this variant. (I) 1007 - No published functional evidence has been identified for this variant. (I) Legend: (SP) - Supporting pathogenic, (I) - Information, (SB) - Supporting benign

Literature cited by the submitters: PubMed 37091781 (cited by 3 submitters).

NM_001377.3(DYNC2H1):c.2386C>T (p.Arg796Trp)

Gene: DYNC2H1 (dynein cytoplasmic 2 heavy chain 1; plus strand). Cytogenetic location: 11q22.3.
Variant type: single nucleotide variant.
Coding change: c.2386C>T on transcript NM_001377.3 (MANE Select); coding-DNA position 2386, C replaced by T.
Protein change: p.Arg796Trp; replaces arginine 796 with tryptophan.
Molecular consequence: missense variant.
Genome position (GRCh38, 1-based): chr11:103,135,760, C>T. VCF-style: chr11-103135760-C-T. GRCh37 (hg19) VCF-style: chr11-103006489-C-T.
Other names: c.2386C>T, p.Arg796Trp (NM_001080463.2); short protein forms R796W.
Identifiers: ClinVar variation 3377206 (VCV003377206.3).